The following is an entry in ClinVar:

NM_005236.3(ERCC4):c.384T>C (p.Ile128=)

Gene: ERCC4 (ERCC excision repair 4, endonuclease catalytic subunit; plus strand). Cytogenetic location: 16p13.12.
Variant type: single nucleotide variant.
Coding change: c.384T>C on transcript NM_005236.3 (MANE Select); coding-DNA position 384, T replaced by C.
Protein change: p.Ile128=; no amino-acid change (isoleucine 128 retained).
Molecular consequence: synonymous variant.
Genome position (GRCh38, 1-based): chr16:13,922,207, T>C. VCF-style: chr16-13922207-T-C. GRCh37 (hg19) VCF-style: chr16-14016064-T-C.
Identifiers: ClinVar variation 3057407 (VCV003057407.3), dbSNP rs1337735944, ClinGen allele CA493434300.

ClinVar aggregate classification (germline): Likely benign. Review status: criteria provided, single submitter (1 of 4 stars). 2 submissions from 2 submitters: Likely benign (1). 1 of the submissions does not count toward it. Last evaluated 2025-12-11.

Conditions:
Xeroderma pigmentosum, group F (XPF). Also called: ERCC4-Related Xeroderma Pigmentosum; XERODERMA PIGMENTOSUM VI; XP, GROUP F; XERODERMA PIGMENTOSUM, TYPE F; Xeroderma pigmentosum, type 6; XERODERMA PIGMENTOSUM, COMPLEMENTATION GROUP F. Identifiers: MedGen C0268140, MONDO:0010215, OMIM 278760.
Fanconi anemia complementation group Q. Identifiers: Orphanet 84, MedGen C3808988, MONDO:0014108, OMIM 615272.
Cockayne syndrome. Identifiers: Orphanet 191, MedGen C0009207, MONDO:0016006.
ERCC4-related disorder. Also called: ERCC4-related condition.

gnomAD v4.1: 1 of 1,596,656 alleles (0.000063%); highest among the groups gnomAD compares: African/African-American, 0.0013%; no homozygotes.

Submissions (2):

Labcorp Genetics (formerly Invitae), Labcorp
Classification: Likely benign for Fanconi anemia complementation group Q; Xeroderma pigmentosum, group F; Cockayne syndrome. Last evaluated: 2025-12-11. Review status: criteria provided, single submitter. Criteria: Invitae Variant Classification Sherloc (09022015). Collection method: clinical testing. Allele origin: germline.

PreventionGenetics, part of Exact Sciences
Classification: Likely benign for ERCC4-related condition. Last evaluated: 2019-03-05. Review status: no assertion criteria provided. Collection method: clinical testing. Allele origin: germline. Not counted in ClinVar's aggregate classification.
Comment: This variant is classified as likely benign based on ACMG/AMP sequence variant interpretation guidelines (Richards et al. 2015 PMID: 25741868, with internal and published modifications).